The following is an entry in ClinVar:

NM_206937.2(LIG4):c.989G>T (p.Gly330Val)

Gene: LIG4 (DNA ligase 4; minus strand). Cytogenetic location: 13q33.3.
Variant type: single nucleotide variant.
Coding change: c.989G>T on transcript NM_206937.2 (MANE Select); coding-DNA position 989, G replaced by T.
Protein change: p.Gly330Val; replaces glycine 330 with valine.
Molecular consequence: missense variant.
Genome position (GRCh38, 1-based): chr13:108,210,280, C>A on the plus strand (G>T on the coding strand, the complement: LIG4 is on the minus strand). VCF-style: chr13-108210280-C-A. GRCh37 (hg19) VCF-style: chr13-108862628-C-A.
Other names: c.989G>T, p.Gly330Val (NM_002312.3, NM_001098268.2, NM_001352598.2 and 6 more transcripts); c.788G>T, p.Gly263Val (NM_001330595.2); c.1025G>T, p.Gly342Val (NM_001352604.2); short protein forms G263V, G330V, G342V.
Identifiers: ClinVar variation 959275 (VCV000959275.10), dbSNP rs1410858176, ClinGen allele CA388618919.

ClinVar aggregate classification (germline): Uncertain significance. Review status: criteria provided, multiple submitters, no conflicts (2 of 4 stars). 2 submissions from 2 submitters: Uncertain significance (2). Last evaluated 2025-12-15.

Conditions:
DNA ligase IV deficiency. Identifiers: Orphanet 99812, MedGen C1847827, MONDO:0011686, OMIM 606593.

Allele frequency attached by ClinVar (database versions not stated): gnomAD exomes below 0.00001; TOPMed 0.00001.
gnomAD v4.1: 1 of 1,613,914 alleles (0.000062%); highest among the groups gnomAD compares: Non-Finnish European, 0.000085%; no homozygotes.

Submissions (2):

Labcorp Genetics (formerly Invitae), Labcorp
Classification: Uncertain significance for DNA ligase IV deficiency. Last evaluated: 2025-12-15. Review status: criteria provided, single submitter. Criteria: Invitae Variant Classification Sherloc (09022015). Collection method: clinical testing. Allele origin: germline.
Comment: This sequence change replaces glycine, which is neutral and non-polar, with valine, which is neutral and non-polar, at codon 330 of the LIG4 protein (p.Gly330Val). This variant is present in population databases (no rsID available, gnomAD no frequency). This variant has not been reported in the literature in individuals affected with LIG4-related conditions. ClinVar contains an entry for this variant (Variation ID: 959275). Invitae Evidence Modeling of protein sequence and biophysical properties (such as structural, functional, and spatial information, amino acid conservation, physicochemical variation, residue mobility, and thermodynamic stability) indicates that this missense variant is expected to disrupt LIG4 protein function with a positive predictive value of 95%. In summary, the available evidence is currently insufficient to determine the role of this variant in disease. Therefore, it has been classified as a Variant of Uncertain Significance.

Mayo Clinic Laboratories, Mayo Clinic
Classification: Uncertain significance. Last evaluated: 2021-02-02. Review status: criteria provided, single submitter. Criteria: ACMG Guidelines, 2015. Collection method: clinical testing. Allele origin: germline. Observed: 1 variant allele.